The following is an entry in ClinVar:

NM_000113.3(TOR1A):c.620+6G>C

Gene: TOR1A (torsin family 1 member A; minus strand). Cytogenetic location: 9q34.11.
Variant type: single nucleotide variant.
Coding change: c.620+6G>C on transcript NM_000113.3 (MANE Select); 6 bases into the intron after coding-DNA position 620, G replaced by C.
Molecular consequence: intron variant.
Genome position (GRCh38, 1-based): chr9:129,818,739, C>G on the plus strand (G>C on the coding strand, the complement: TOR1A is on the minus strand). VCF-style: chr9-129818739-C-G. GRCh37 (hg19) VCF-style: chr9-132581018-C-G.
Identifiers: ClinVar variation 2905011 (VCV002905011.3), dbSNP rs748292862, ClinGen allele CA5278617.

ClinVar aggregate classification (germline): Uncertain significance (1 of 4 stars; one submission).

Conditions:
Dystonic disorder. Also called: Dystonia. Identifiers: MedGen C0013421, MONDO:0003441, HP:0001332.

gnomAD v4.1: 7 of 1,613,534 alleles (0.00043%); highest among the groups gnomAD compares: Admixed American, 0.012%; no homozygotes.

Submission:

Labcorp Genetics (formerly Invitae), Labcorp
Classification: Uncertain significance for Dystonic disorder. Last evaluated: 2025-09-19. Review status: criteria provided, single submitter. Criteria: Invitae Variant Classification Sherloc (09022015). Collection method: clinical testing. Allele origin: germline.
Comment: This sequence change falls in intron 3 of the TOR1A gene. It does not directly change the encoded amino acid sequence of the TOR1A protein. It affects a nucleotide within the consensus splice site. This variant is present in population databases (rs748292862, gnomAD 0.02%). This variant has not been reported in the literature in individuals affected with TOR1A-related conditions. ClinVar contains an entry for this variant (Variation ID: 2905011). Variants that disrupt the consensus splice site are a relatively common cause of aberrant splicing (PMID: 17576681, 9536098). Algorithms developed to predict the effect of sequence changes on RNA splicing suggest that this variant is not likely to affect RNA splicing. In summary, the available evidence is currently insufficient to determine the role of this variant in disease. Therefore, it has been classified as a Variant of Uncertain Significance.

Literature cited by the submitters: PubMed 17576681; PubMed 9536098.